The following is an entry in ClinVar:

ClinVar aggregate classification (germline): Uncertain significance. Review status: criteria provided, multiple submitters, no conflicts (2 of 4 stars). 2 submissions from 2 submitters: Uncertain significance (2). Last evaluated 2026-04-09.

Conditions:
Cardiovascular phenotype. Identifiers: MedGen CN230736.
Hypertrophic cardiomyopathy 12. Identifiers: MedGen C2677491, MONDO:0012804, OMIM 612124.
Dilated cardiomyopathy 1M (CMD1M). Identifiers: Orphanet 154, MedGen C1843808, MONDO:0011840, OMIM 607482.

gnomAD v4.1: 2 of 1,612,458 alleles (0.00012%); highest among the groups gnomAD compares: Admixed American, 0.0017%; no homozygotes.

Submissions (2):

Ambry Genetics
Classification: Uncertain significance for Cardiovascular phenotype. Last evaluated: 2026-04-09. Review status: criteria provided, single submitter. Criteria: Ambry Variant Classification Scheme 2023. Collection method: clinical testing. Allele origin: germline.
Comment: The c.415-1G>A intronic variant results from a G to A substitution one nucleotide upstream from coding exon 4 of the CSRP3 gene. Variants that disrupt the canonical splice site are expected to result in aberrant splicing. In silico splice site analysis predicts that this alteration will weaken the native splice acceptor site and will result in the creation or strengthening of a novel splice acceptor site. A resulting transcript is predicted to be in-frame and is not expected to trigger nonsense-mediated mRNAdecay; although, direct evidence is unavailable. This nucleotide position is highly conserved in available vertebrate species. Based on the available evidence, the clinical significance of this variant remains unclear.

Labcorp Genetics (formerly Invitae), Labcorp
Classification: Uncertain significance for Hypertrophic cardiomyopathy 12; Dilated cardiomyopathy 1M. Last evaluated: 2019-02-27. Review status: criteria provided, single submitter. Criteria: Invitae Variant Classification Sherloc (09022015). Collection method: clinical testing. Allele origin: germline.
Comment: This sequence change affects an acceptor splice site in intron 5 of the CSRP3 gene. It is expected to disrupt RNA splicing and likely results in an absent or disrupted protein product. This variant is not present in population databases (ExAC no frequency). This variant has not been reported in the literature in individuals with CSRP3-related conditions. Algorithms developed to predict the effect of sequence changes on RNA splicing suggest that this variant may disrupt the consensus splice site, but this prediction has not been confirmed by published transcriptional studies. The current clinical and genetic evidence is not sufficient to establish whether loss-of-function variants in CSRP3 cause disease. In summary, the available evidence is currently insufficient to determine the role of this variant in disease. Therefore, it has been classified as a Variant of Uncertain Significance.

NM_003476.5(CSRP3):c.415-1G>A

Gene: CSRP3 (cysteine and glycine rich protein 3; minus strand). Cytogenetic location: 11p15.1.
Variant type: single nucleotide variant.
Coding change: c.415-1G>A on transcript NM_003476.5 (MANE Select); the canonical splice acceptor site of the intron before coding-DNA position 415, G replaced by A.
Molecular consequence: splice acceptor variant.
Genome position (GRCh38, 1-based): chr11:19,185,046, C>T on the plus strand (G>A on the coding strand, the complement: CSRP3 is on the minus strand). VCF-style: chr11-19185046-C-T. GRCh37 (hg19) VCF-style: chr11-19206593-C-T.
Other names: c.415-1G>A (NM_003476.3); c.246-1G>A (NM_001369404.1).
Identifiers: ClinVar variation 834445 (VCV000834445.2), dbSNP rs775194825, ClinGen allele CA379887814.